The following is an entry in ClinVar:

NM_001243279.3(ACSF3):c.44C>A (p.Ala15Asp)

Gene: ACSF3 (acyl-CoA synthetase family member 3; plus strand). Cytogenetic location: 16q24.3.
Variant type: single nucleotide variant.
Coding change: c.44C>A on transcript NM_001243279.3 (MANE Select); coding-DNA position 44, C replaced by A.
Protein change: p.Ala15Asp; replaces alanine 15 with aspartic acid.
Molecular consequence: missense variant. On other transcripts: non-coding transcript variant (3), intron variant (1).
Genome position (GRCh38, 1-based): chr16:89,100,725, C>A. VCF-style: chr16-89100725-C-A. GRCh37 (hg19) VCF-style: chr16-89167133-C-A.
Other names: c.44C>A, p.Ala15Asp (NM_001127214.4, NM_174917.5); c.-129-1879C>A (NM_001284316.2); c.44C>A (NM_174917.3); short protein forms A15D.
Identifiers: ClinVar variation 2188073 (VCV002188073.2), dbSNP rs749661738, ClinGen allele CA8237527.

ClinVar aggregate classification (germline): Uncertain significance. Review status: criteria provided, multiple submitters, no conflicts (2 of 4 stars). 2 submissions from 2 submitters: Uncertain significance (2). Last evaluated 2025-03-03.

Conditions:
Inborn genetic diseases. Identifiers: MedGen C0950123, MeSH D030342.
Combined malonic and methylmalonic acidemia. Identifiers: Orphanet 289504, MedGen C3280314, MONDO:0013661, OMIM 614265.

Allele frequency attached by ClinVar (database versions not stated): gnomAD 0.00002; TOPMed 0.00002; ExAC 0.00004.
gnomAD v4.1: 6 of 1,603,134 alleles (0.00037%); highest among the groups gnomAD compares: East Asian, 0.013%; no homozygotes.

Submissions (2):

Ambry Genetics
Classification: Uncertain significance for Inborn genetic diseases. Last evaluated: 2025-03-03. Review status: criteria provided, single submitter. Criteria: Ambry Variant Classification Scheme 2023. Collection method: clinical testing. Allele origin: germline.

Labcorp Genetics (formerly Invitae), Labcorp
Classification: Uncertain significance for Combined malonic and methylmalonic acidemia. Last evaluated: 2021-08-20. Review status: criteria provided, single submitter. Criteria: Invitae Variant Classification Sherloc (09022015). Collection method: clinical testing. Allele origin: germline.
Comment: This sequence change replaces alanine with aspartic acid at codon 15 of the ACSF3 protein (p.Ala15Asp). The alanine residue is weakly conserved and there is a moderate physicochemical difference between alanine and aspartic acid. This variant is present in population databases (rs749661738, ExAC 0.05%). This variant has not been reported in the literature in individuals affected with ACSF3-related conditions. Algorithms developed to predict the effect of missense changes on protein structure and function (SIFT, PolyPhen-2, Align-GVGD) all suggest that this variant is likely to be tolerated. In summary, the available evidence is currently insufficient to determine the role of this variant in disease. Therefore, it has been classified as a Variant of Uncertain Significance.